The following is an entry in ClinVar:

ClinVar aggregate classification (germline): Pathogenic. Review status: criteria provided, multiple submitters, no conflicts (2 of 4 stars). 2 submissions from 2 submitters: Pathogenic (2). Last evaluated 2024-10-09.

Conditions:
Holocarboxylase synthetase deficiency. Also called: MULTIPLE CARBOXYLASE DEFICIENCY, EARLY ONSET. Identifiers: Orphanet 79242, MedGen C0268581, MONDO:0009666, OMIM 253270.

Submissions (2):

Myriad Genetics, Inc.
Classification: Pathogenic for Holocarboxylase synthetase deficiency. Last evaluated: 2024-10-09. Review status: criteria provided, single submitter. Criteria: Myriad Autosomal Dominant, Autosomal Recessive and X-Linked Classification Criteria (2023). Collection method: clinical testing. Allele origin: unknown.
Comment: NM_000411.6(HLCS):c.1004dupT(L335Ffs*17) is expected to be pathogenic in the context of holocarboxylase synthetase deficiency. This variant is predicted to lead to an abnormal or absent protein product due to the creation of a premature termination codon in HLCS, a gene where loss-of-function variants are known to be pathogenic. Please note: this variant was assessed in the context of healthy population screening.

Labcorp Genetics (formerly Invitae), Labcorp
Classification: Pathogenic for Holocarboxylase synthetase deficiency. Last evaluated: 2023-09-27. Review status: criteria provided, single submitter. Criteria: Invitae Variant Classification Sherloc (09022015). Collection method: clinical testing. Allele origin: germline.
Comment: For these reasons, this variant has been classified as Pathogenic. This variant has not been reported in the literature in individuals affected with HLCS-related conditions. This variant is not present in population databases (gnomAD no frequency). This sequence change creates a premature translational stop signal (p.Leu335Phefs*17) in the HLCS gene. It is expected to result in an absent or disrupted protein product. Loss-of-function variants in HLCS are known to be pathogenic (PMID: 16134170).

Literature cited by the submitters: PubMed 16134170 (cited by Labcorp Genetics (formerly Invitae), Labcorp).

NM_001352514.2(HLCS):c.1445dup (p.Leu482fs)

Gene: HLCS (holocarboxylase synthetase; minus strand). Cytogenetic location: 21q22.13.
Variant type: Duplication.
Coding change: c.1445dup on transcript NM_001352514.2 (MANE Select); coding-DNA position 1445, one base duplicated (T; older notation c.1445dupT).
Protein change: p.Leu482fs; shifts the reading frame from leucine 482.
Molecular consequence: frameshift variant. On other transcripts: non-coding transcript variant (2).
Genome position (GRCh38, 1-based): chr21:36,930,426, A duplicated on the plus strand (T on the coding strand, the reverse complement: HLCS is on the minus strand); the first of 2 consecutive A bases (chr21:36,930,426-36,930,427); duplicating either gives the same sequence. VCF-style (leftmost placement, unchanged base first): chr21-36930425-T-TA. GRCh37 (hg19) VCF-style: chr21-38302725-T-TA.
Other names: c.1004dup, p.Leu335fs (NM_001352517.1, NM_001352518.2, NM_000411.8 and 4 more transcripts); short protein forms L335fs, L482fs.
Identifiers: ClinVar variation 2763939 (VCV002763939.4), dbSNP rs2517548062, ClinGen allele CA2697547508.